The following is an entry in ClinVar:

NM_000283.4(PDE6B):c.811G>C (p.Glu271Gln)

Genes: PDE6B (phosphodiesterase 6B; plus strand), PDE6B-AS1 (PDE6B antisense RNA 1; minus strand). Cytogenetic location: 4p16.3.
Variant type: single nucleotide variant.
Coding change: c.811G>C on transcript NM_000283.4 (MANE Select); coding-DNA position 811, G replaced by C.
Protein change: p.Glu271Gln; replaces glutamic acid 271 with glutamine.
Molecular consequence: missense variant. On other transcripts: 5 prime UTR variant (5).
Genome position (GRCh38, 1-based): chr4:653,951, G>C. VCF-style: chr4-653951-G-C. GRCh37 (hg19) VCF-style: chr4-647740-G-C.
Other names: c.811G>C, p.Glu271Gln (NM_001145291.2); c.-27G>C (NM_001145292.2, NM_001350154.3, NM_001379246.1 and 1 more transcripts); c.-230G>C (NM_001350155.3); short protein forms E271Q.
Identifiers: ClinVar variation 1416018 (VCV001416018.6), dbSNP rs374156343, ClinGen allele CA355911403.

ClinVar aggregate classification (germline): Uncertain significance (1 of 4 stars; one submission).

gnomAD v4.1: 2 of 1,613,788 alleles (0.00012%); highest among the groups gnomAD compares: African/African-American, 0.0027%; no homozygotes.

Submission:

Labcorp Genetics (formerly Invitae), Labcorp
Classification: Uncertain significance. Last evaluated: 2021-11-10. Review status: criteria provided, single submitter. Criteria: Invitae Variant Classification Sherloc (09022015). Collection method: clinical testing. Allele origin: germline.
Comment: In summary, the available evidence is currently insufficient to determine the role of this variant in disease. Therefore, it has been classified as a Variant of Uncertain Significance. This variant disrupts the p.Glu271 amino acid residue in PDE6B. Other variant(s) that disrupt this residue have been determined to be pathogenic (PMID: 27353947, 30646425; Invitae). This suggests that this residue is clinically significant, and that variants that disrupt this residue are likely to be disease-causing. Algorithms developed to predict the effect of missense changes on protein structure and function are either unavailable or do not agree on the potential impact of this missense change (SIFT: "Deleterious"; PolyPhen-2: "Possibly Damaging"; Align-GVGD: "Class C0"). This variant has not been reported in the literature in individuals affected with PDE6B-related conditions. This variant is not present in population databases (gnomAD no frequency). This sequence change replaces glutamic acid, which is acidic and polar, with glutamine, which is neutral and polar, at codon 271 of the PDE6B protein (p.Glu271Gln).

Literature cited by the submitters: PubMed 27353947; PubMed 30646425.